The following is an entry in ClinVar:

ClinVar aggregate classification (germline): Likely benign (0 of 4 stars; one submission).

Conditions:
FDPS-related disorder. Also called: FDPS-related condition.

Allele frequency attached by ClinVar (database versions not stated): gnomAD exomes below 0.00001; gnomAD 0.00001.
gnomAD v4.1: 2 of 1,614,000 alleles (0.00012%); highest among the groups gnomAD compares: Admixed American, 0.0033%; no homozygotes.

Submission:

PreventionGenetics, part of Exact Sciences
Classification: Likely benign for FDPS-related condition. Last evaluated: 2020-08-29. Review status: no assertion criteria provided. Collection method: clinical testing. Allele origin: germline.
Comment: This variant is classified as likely benign based on ACMG/AMP sequence variant interpretation guidelines (Richards et al. 2015 PMID: 25741868, with internal and published modifications).

NM_002004.4(FDPS):c.849A>G (p.Ala283=)

Genes: RUSC1-AS1 (RUSC1 antisense RNA 1; minus strand), FDPS (farnesyl diphosphate synthase; plus strand). Cytogenetic location: 1q22.
Variant type: single nucleotide variant.
Coding change: c.849A>G on transcript NM_002004.4 (MANE Select); coding-DNA position 849, A replaced by G.
Protein change: p.Ala283=; no amino-acid change (alanine 283 retained).
Molecular consequence: synonymous variant.
Genome position (GRCh38, 1-based): chr1:155,319,613, A>G. VCF-style: chr1-155319613-A-G. GRCh37 (hg19) VCF-style: chr1-155289404-A-G.
Other names: c.849A>G, p.Ala283= (NM_001135821.2); c.651A>G, p.Ala217= (NM_001135822.2, NM_001242824.2, NM_001378424.1 and 1 more transcripts); c.336A>G, p.Ala112= (NM_001242825.2).
Identifiers: ClinVar variation 3058163 (VCV003058163.2), dbSNP rs1650021408, ClinGen allele CA421042995.
Genomic context (GRCh38, chr1:155,319,613, plus strand): 5'-AGCCAGGAAGATGCCGGCACCCCTGGGGTTTGGCTTATTAACCCCCCTTTCCCTGCAGGC[A>G]GGAATTGATGGCGAGAAGGAGCACGCCAATGCCAAGAAGATCCTGCTGGAGATGGGGGAG-3'
Protein context (NP_001995.1, residues 273-293): YLPIAAAMYM[Ala283=]GIDGEKEHAN